The following is an entry in ClinVar:

ClinVar aggregate classification (germline): Uncertain significance (1 of 4 stars; one submission).

Submission:

GeneDx
Classification: Uncertain significance. Last evaluated: 2026-03-17. Review status: criteria provided, single submitter. Criteria: GeneDx Variant Classification Process June 2021. Collection method: clinical testing. Allele origin: germline.
Comment: In silico analysis supports that this missense variant has a deleterious effect on protein structure/function; Not observed at significant frequency in large population cohorts (gnomAD); Has not been previously published as pathogenic or benign to our knowledge

NM_002693.3(POLG):c.2537C>A (p.Thr846Asn)

Gene: POLG (DNA polymerase gamma, catalytic subunit; minus strand). Cytogenetic location: 15q26.1.
Variant type: single nucleotide variant.
Coding change: c.2537C>A on transcript NM_002693.3 (MANE Select); coding-DNA position 2537, C replaced by A.
Protein change: p.Thr846Asn; replaces threonine 846 with asparagine.
Molecular consequence: missense variant.
Genome position (GRCh38, 1-based): chr15:89,321,797, G>T on the plus strand (C>A on the coding strand, the complement: POLG is on the minus strand). VCF-style: chr15-89321797-G-T. GRCh37 (hg19) VCF-style: chr15-89865028-G-T.
Other names: c.2537C>A, p.Thr846Asn (NM_001126131.2); short protein forms T846N.
Identifiers: ClinVar variation 4975303 (VCV004975303.1).